The following is an entry in ClinVar:

ClinVar aggregate classification (germline): Uncertain significance. Review status: criteria provided, multiple submitters, no conflicts (2 of 4 stars). 2 submissions from 2 submitters: Uncertain significance (2). Last evaluated 2024-05-10.

Conditions:
Inborn genetic diseases. Identifiers: MedGen C0950123, MeSH D030342.
Proline dehydrogenase deficiency (HYRPRO1). Also called: PROLINE OXIDASE DEFICIENCY; Hyperprolinemia type 1. Identifiers: Orphanet 419, MedGen C0268529, MONDO:0009400, OMIM 239500.
Schizophrenia 4 (SCZD4). Also called: SCHIZOPHRENIA SUSCEPTIBILITY LOCUS, CHROMOSOME 22q11-RELATED; SCHIZOPHRENIA, SUSCEPTIBILITY TO, 4. Identifiers: MedGen C1833247, MONDO:0010943, OMIM 600850.

Allele frequency attached by ClinVar (database versions not stated): gnomAD 0.00014.

Submissions (2):

Fulgent Genetics
Classification: Uncertain significance for Proline dehydrogenase deficiency; Schizophrenia 4. Last evaluated: 2024-05-10. Review status: criteria provided, single submitter. Criteria: ACMG Guidelines, 2015. Collection method: clinical testing. Allele origin: germline.

Ambry Genetics
Classification: Uncertain significance for Inborn genetic diseases. Last evaluated: 2021-03-25. Review status: criteria provided, single submitter. Criteria: Ambry Variant Classification Scheme 2023. Collection method: clinical testing. Allele origin: germline.
Comment: The c.1765C>T (p.R589W) alteration is located in exon 15 (coding exon 14) of the PRODH gene. This alteration results from a C to T substitution at nucleotide position 1765, causing the arginine (R) at amino acid position 589 to be replaced by a tryptophan (W). The p.R589W alteration is predicted to be tolerated by in silico analysis. Based on insufficient or conflicting evidence, the clinical significance of this alteration remains unclear.

NM_016335.6(PRODH):c.1765C>T (p.Arg589Trp)

Gene: PRODH (proline dehydrogenase 1; minus strand). Cytogenetic location: 22q11.21.
Variant type: single nucleotide variant.
Coding change: c.1765C>T on transcript NM_016335.6 (MANE Select); coding-DNA position 1765, C replaced by T.
Protein change: p.Arg589Trp; replaces arginine 589 with tryptophan.
Molecular consequence: missense variant.
Genome position (GRCh38, 1-based): chr22:18,913,213, G>A on the plus strand (C>T on the coding strand, the complement: PRODH is on the minus strand). VCF-style: chr22-18913213-G-A. GRCh37 (hg19) VCF-style: chr22-18900726-G-A.
Other names: c.1441C>T, p.Arg481Trp (NM_001195226.2, NM_001368250.2); short protein forms R589W, R481W.
Identifiers: ClinVar variation 2225230 (VCV002225230.3), dbSNP rs748701094, ClinGen allele CA10094833.